The following is an entry in ClinVar:

NM_001370259.2(MEN1):c.412G>A (p.Ala138Thr)

Gene: MEN1 (menin 1; minus strand). Cytogenetic location: 11q13.1.
Variant type: single nucleotide variant.
Coding change: c.412G>A on transcript NM_001370259.2 (MANE Select); coding-DNA position 412, G replaced by A.
Protein change: p.Ala138Thr; replaces alanine 138 with threonine.
Molecular consequence: missense variant. On other transcripts: non-coding transcript variant (4).
Genome position (GRCh38, 1-based): chr11:64,809,698, C>T on the plus strand (G>A on the coding strand, the complement: MEN1 is on the minus strand). VCF-style: chr11-64809698-C-T. GRCh37 (hg19) VCF-style: chr11-64577170-C-T.
Other names: c.412G>A, p.Ala138Thr (NM_000244.4, NM_001370251.2, NM_001370260.2 and 20 more transcripts); short protein forms A138T.
Identifiers: ClinVar variation 3294219 (VCV003294219.1).

ClinVar aggregate classification (germline): Uncertain significance (1 of 4 stars; one submission).

Conditions:
Hereditary cancer-predisposing syndrome. Also called: Tumor predisposition; Hereditary Cancer Syndrome; Hereditary neoplastic syndrome; Neoplastic Syndromes, Hereditary. Identifiers: Orphanet 140162, MedGen C0027672, MeSH D009386, MONDO:0015356.

Submission:

Ambry Genetics
Classification: Uncertain significance for Hereditary cancer-predisposing syndrome. Last evaluated: 2024-05-10. Review status: criteria provided, single submitter. Criteria: Ambry Variant Classification Scheme 2023. Collection method: clinical testing. Allele origin: germline.
Comment: The p.A138T variant (also known as c.412G>A), located in coding exon 1 of the MEN1 gene, results from a G to A substitution at nucleotide position 412. The alanine at codon 138 is replaced by threonine, an amino acid with similar properties. This amino acid position is conserved. In addition, this alteration is predicted to be deleterious by in silico analysis. Based on the available evidence, the clinical significance of this variant remains unclear.